The following is an entry in ClinVar:

ClinVar aggregate classification (germline): Pathogenic (1 of 4 stars; one submission).

Conditions:
Ataxia-telangiectasia syndrome (AT). Also called: AT, COMPLEMENTATION GROUP C; Ataxia telangiectasia (A-T); LOUIS-BAR SYNDROME; Ataxia-telangiectasia, complementation group D; Ataxia-telangiectasia, complementation group E; ATAXIA-TELANGIECTASIA, COMPLEMENTATION GROUP A. Identifiers: Orphanet 100, MedGen C0004135, MONDO:0008840, OMIM 208900.

Submission:

Labcorp Genetics (formerly Invitae), Labcorp
Classification: Pathogenic for Ataxia-telangiectasia syndrome. Last evaluated: 2022-03-03. Review status: criteria provided, single submitter. Criteria: Invitae Variant Classification Sherloc (09022015). Collection method: clinical testing. Allele origin: germline.
Comment: This variant is not present in population databases (gnomAD no frequency). This sequence change creates a premature translational stop signal (p.Asp860Valfs*20) in the ATM gene. It is expected to result in an absent or disrupted protein product. Loss-of-function variants in ATM are known to be pathogenic (PMID: 23807571, 25614872). This variant has not been reported in the literature in individuals affected with ATM-related conditions. For these reasons, this variant has been classified as Pathogenic.

Literature cited by the submitters: PubMed 23807571; PubMed 25614872.

NM_000051.4(ATM):c.2579del (p.Asp860fs)

Gene: ATM (ATM serine/threonine kinase; plus strand). Cytogenetic location: 11q22.3.
Variant type: Deletion.
Coding change: c.2579del on transcript NM_000051.4 (MANE Select); coding-DNA position 2579, one base deleted (A; older notation c.2579delA).
Protein change: p.Asp860fs; shifts the reading frame from aspartic acid 860.
Molecular consequence: frameshift variant.
Genome position (GRCh38, 1-based): chr11:108,267,283, A deleted. VCF-style (leftmost placement, unchanged base first): chr11-108267282-GA-G. GRCh37 (hg19) VCF-style: chr11-108138009-GA-G.
Other names: c.2579del, p.Asp860fs (NM_001351834.2); short protein forms D860fs.
Identifiers: ClinVar variation 2106534 (VCV002106534.4), dbSNP rs2497596650, ClinGen allele CA2580083033.